The following is an entry in ClinVar:

ClinVar aggregate classification (germline): Uncertain significance. Review status: criteria provided, multiple submitters, no conflicts (2 of 4 stars). 2 submissions from 2 submitters: Uncertain significance (2). Last evaluated 2025-11-04.

Conditions:
Hereditary cancer-predisposing syndrome. Also called: Tumor predisposition; Hereditary Cancer Syndrome; Hereditary neoplastic syndrome; Neoplastic Syndromes, Hereditary. Identifiers: Orphanet 140162, MedGen C0027672, MeSH D009386, MONDO:0015356.
Familial adenomatous polyposis 2. Also called: FAP type 2; MUTYH Polyposis; COLORECTAL ADENOMATOUS POLYPOSIS, AUTOSOMAL RECESSIVE; ADENOMAS, MULTIPLE COLORECTAL, AUTOSOMAL RECESSIVE; MUTYH-associated polyposis; MUTYH-related attenuated familial adenomatous polyposis. Identifiers: Orphanet 220460, Orphanet 247798, MedGen C3272841, MONDO:0012041, OMIM 608456.

Submissions (2):

Labcorp Genetics (formerly Invitae), Labcorp
Classification: Uncertain significance for Familial adenomatous polyposis 2. Last evaluated: 2025-11-04. Review status: criteria provided, single submitter. Criteria: Invitae Variant Classification Sherloc (09022015). Collection method: clinical testing. Allele origin: germline.
Comment: This sequence change replaces tryptophan, which is neutral and slightly polar, with leucine, which is neutral and non-polar, at codon 174 of the MUTYH protein (p.Trp174Leu). This variant is not present in population databases (gnomAD no frequency). This variant has not been reported in the literature in individuals affected with MUTYH-related conditions. ClinVar contains an entry for this variant (Variation ID: 825560). An algorithm developed to predict the effect of missense changes on protein structure and function (PolyPhen-2) suggests that this variant is likely to be disruptive. In summary, the available evidence is currently insufficient to determine the role of this variant in disease. Therefore, it has been classified as a Variant of Uncertain Significance.

Ambry Genetics
Classification: Uncertain significance for Hereditary cancer-predisposing syndrome. Last evaluated: 2018-08-14. Review status: criteria provided, single submitter. Criteria: Ambry Variant Classification Scheme 2023. Collection method: clinical testing. Allele origin: germline.
Comment: The p.W174L variant (also known as c.521G>T), located in coding exon 7 of the MUTYH gene, results from a G to T substitution at nucleotide position 521. The tryptophan at codon 174 is replaced by leucine, an amino acid with similar properties. This amino acid position is highly conserved in available vertebrate species. In addition, this alteration is predicted to be deleterious by in silico analysis. Since supporting evidence is limited at this time, the clinical significance of this alteration remains unclear.

NM_001048174.2(MUTYH):c.437G>T (p.Trp146Leu)

Gene: MUTYH (mutY DNA glycosylase; minus strand). Cytogenetic location: 1p34.1.
Variant type: single nucleotide variant.
Coding change: c.437G>T on transcript NM_001048174.2 (MANE Select); coding-DNA position 437, G replaced by T.
Protein change: p.Trp146Leu; replaces tryptophan 146 with leucine.
Molecular consequence: missense variant. On other transcripts: non-coding transcript variant (2).
Genome position (GRCh38, 1-based): chr1:45,332,818, C>A on the plus strand (G>T on the coding strand, the complement: MUTYH is on the minus strand). VCF-style: chr1-45332818-C-A. GRCh37 (hg19) VCF-style: chr1-45798490-C-A.
Other names: c.437G>T, p.Trp146Leu (NM_001048171.2, NM_001048173.2, NM_001293195.2); c.440G>T, p.Trp147Leu (NM_001048172.2); c.521G>T, p.Trp174Leu (NM_001128425.2); c.482G>T, p.Trp161Leu (NM_001293190.2); c.470G>T, p.Trp157Leu (NM_001293191.2); c.161G>T, p.Trp54Leu (NM_001293192.2, NM_001293196.2); c.92G>T, p.Trp31Leu (NM_001350650.2, NM_001350651.2); c.512G>T, p.Trp171Leu (NM_012222.3); short protein forms W161L, W54L, W171L, W174L, W146L, W147L, W157L, W31L.
Identifiers: ClinVar variation 825560 (VCV000825560.5), dbSNP rs1306473047, ClinGen allele CA340135793.
Genomic context (GRCh38, chr1:45,332,818, plus strand): 5'-CTTACCTTCCGAGCTCCCTCCTGCAGCCGCCGGCCACGAGAATAGTAGCCCAGGCCAGCC[C>A]AGAGTTGATTCACCTCCTGTGGGTAGGATCAGAGGTCAAAGAGATCACCCGTCAGTCCCT-3'
Protein context (NP_001041639.1, residues 136-156): SASLEEVNQL[Trp146Leu]AGLGYYSRGR